The following is an entry in ClinVar:

ClinVar aggregate classification (germline): Uncertain significance (1 of 4 stars; one submission).

Conditions:
Cardiomyopathy (CMYO). Also called: Cardiomyopathies. Identifiers: Orphanet 167848, MedGen C0878544, MONDO:0004994, HP:0001638. Inheritance: Various modes of inheritance.

gnomAD v4.1: 1 of 1,607,274 alleles (0.000062%); highest among the groups gnomAD compares: Admixed American, 0.0017%; no homozygotes.

Submission:

Color Diagnostics, LLC DBA Color Health
Classification: Uncertain significance for Cardiomyopathy. Last evaluated: 2024-03-06. Review status: criteria provided, single submitter. Criteria: ACMG Guidelines, 2015. Collection method: clinical testing. Allele origin: germline.
Comment: This missense variant replaces threonine with alanine at codon 1153 of the MYBPC3 protein. Computational prediction suggests that this variant may not impact protein structure and function (internally defined REVEL score threshold <= 0.5, PMID: 27666373). Splice site prediction tools suggest that this variant may not impact RNA splicing. To our knowledge, functional studies have not been performed for this variant. This variant has not been reported in individuals affected with cardiovascular disorders in the literature. This variant has not been identified in the general population by the Genome Aggregation Database (gnomAD). The available evidence is insufficient to determine the role of this variant in disease conclusively. Therefore, this variant is classified as a Variant of Uncertain Significance.

NM_000256.3(MYBPC3):c.3457A>G (p.Thr1153Ala)

Gene: MYBPC3 (myosin binding protein C3; minus strand). Cytogenetic location: 11p11.2.
Variant type: single nucleotide variant.
Coding change: c.3457A>G on transcript NM_000256.3 (MANE Select); coding-DNA position 3457, A replaced by G.
Protein change: p.Thr1153Ala; replaces threonine 1153 with alanine.
Molecular consequence: missense variant.
Genome position (GRCh38, 1-based): chr11:47,332,847, T>C on the plus strand (A>G on the coding strand, the complement: MYBPC3 is on the minus strand). VCF-style: chr11-47332847-T-C. GRCh37 (hg19) VCF-style: chr11-47354398-T-C.
Other names: short protein forms T1153A.
Identifiers: ClinVar variation 919886 (VCV000919886.4), dbSNP rs746297609, ClinGen allele CA380313181.
Genomic context (GRCh38, chr11:47,332,847, plus strand): 5'-CTGGTTGGAAGAATGAGGGTACAGCACCTGGTCTGGGGATAAAGACGGGCTCCTTGGTGG[T>C]GGCCGCTCTGTCACTAAAGCCAACCATATTCTGGCTGAAGACGCGGAAGTAGTAGCCATT-3'
Protein context (NP_000247.2, residues 1143-1163): NMVGFSDRAA[Thr1153Ala]TKEPVFIPRP